The following is an entry in ClinVar:

NM_002615.7(SERPINF1):c.250dup (p.Ser84fs)

Genes: SERPINF1 (serpin family F member 1; plus strand), LOC130059892 (ATAC-STARR-seq lymphoblastoid active region 11457; plus strand). Cytogenetic location: 17p13.3.
Variant type: Duplication.
Coding change: c.250dup on transcript NM_002615.7 (MANE Select); coding-DNA position 250, one base duplicated (A; older notation c.250dupA).
Protein change: p.Ser84fs; shifts the reading frame from serine 84.
Molecular consequence: frameshift variant. On other transcripts: 5 prime UTR variant (1).
Genome position (GRCh38, 1-based): chr17:1,770,017, A duplicated. VCF-style (leftmost placement, unchanged base first): chr17-1770016-C-CA. GRCh37 (hg19) VCF-style: chr17-1673310-C-CA.
Other names: c.250dup, p.Ser84fs (NM_001329903.2); c.-312dup (NM_001329904.2); short protein forms S84fs.
Identifiers: ClinVar variation 3906952 (VCV003906952.1).

ClinVar aggregate classification (germline): Pathogenic (1 of 4 stars; one submission).

Conditions:
Osteogenesis imperfecta type 6. Also called: Osteogenesis imperfecta, type VI. Identifiers: Orphanet 666, MedGen C3279564, MONDO:0013515, OMIM 613982.

Submission:

Kasturba Medical College, Manipal, Kasturba Medical College, Manipal, Manipal Academy of Higher Education, Manipal, India
Classification: Pathogenic for Osteogenesis imperfecta type 6. Review status: criteria provided, single submitter. Criteria: ACMG Guidelines, 2015. Collection method: research. Allele origin: biparental. Inheritance: Autosomal recessive inheritance. Affected: yes. Observed: 1 homozygote.
Comment: This variant is absent in homozygous/ or heterozygous state in gnomAD (v4.1.0). It has been reported once in homozygous state in a similarly affected individual in our in-house database of 3596 exomes and not been reported in heterozygous state. This variant is predicted to lead to a shift in the reading frame and introduce a premature termination codon which can either lead to nonsense mediated mRNA decay or formation of a truncated protein product. Biallelic loss-of-function mutations in SERPINF1 has been associated with osteogenesis imperfecta, type VI.